The following is an entry in ClinVar:

ClinVar aggregate classification (germline): Likely benign. Review status: criteria provided, multiple submitters, no conflicts (2 of 4 stars). 5 submissions from 5 submitters: Likely benign (5). Last evaluated 2026-01-17.

Conditions:
Ehlers-Danlos syndrome, classic type, 1 (EDSCL1). Also called: EDS I; Ehlers-Danlos syndrome, type 1; Ehlers-Danlos Syndrome, Classic Type, COL5A1-Related; EHLERS-DANLOS SYNDROME, GRAVIS TYPE; EHLERS-DANLOS SYNDROME, SEVERE CLASSIC TYPE. Identifiers: MedGen C0268335, MONDO:0019567, OMIM 130000.
Familial thoracic aortic aneurysm and aortic dissection (TAAD). Also called: Thoracic aortic aneurysms and dissections. Identifiers: Orphanet 91387, MedGen C4707243, MONDO:0019625.

Allele frequency attached by ClinVar (database versions not stated): TOPMed 0.00003; ExAC 0.00006; gnomAD exomes 0.00006 and 0.00007; ESP Exome Variant Server 0.00008.
gnomAD v4.1: 112 of 1,607,876 alleles (0.007%); highest among the groups gnomAD compares: Middle Eastern, 0.078%; no homozygotes.

Submissions (5):

Labcorp Genetics (formerly Invitae), Labcorp
Classification: Likely benign for Ehlers-Danlos syndrome, classic type, 1. Last evaluated: 2026-01-17. Review status: criteria provided, single submitter. Criteria: Invitae Variant Classification Sherloc (09022015). Collection method: clinical testing. Allele origin: germline.

Blueprint Genetics
Classification: Likely benign. Last evaluated: 2024-08-29. Review status: criteria provided, single submitter. Criteria: ACMG Guidelines, 2015. Collection method: clinical testing. Allele origin: germline.

CeGaT Center for Human Genetics Tuebingen
Classification: Likely benign. Last evaluated: 2023-05-01. Review status: criteria provided, single submitter. Criteria: CeGaT Center For Human Genetics Tuebingen Variant Classification Criteria Version 2. Collection method: clinical testing. Allele origin: germline. Affected: yes. Observed: 1 variant allele.
Comment: COL5A1: PM2:Supporting, BP4, BP7

GeneDx
Classification: Likely benign. Last evaluated: 2021-05-11. Review status: criteria provided, single submitter. Criteria: GeneDx Variant Classification Process June 2021. Collection method: clinical testing. Allele origin: germline. Affected: yes.

Ambry Genetics
Classification: Likely benign for Familial thoracic aortic aneurysm and aortic dissection. Last evaluated: 2017-06-07. Review status: criteria provided, single submitter. Criteria: Ambry Variant Classification Scheme 2023. Collection method: clinical testing. Allele origin: germline.

NM_000093.5(COL5A1):c.3465C>T (p.Asp1155=)

Gene: COL5A1 (collagen type V alpha 1 chain; plus strand). Cytogenetic location: 9q34.3.
Variant type: single nucleotide variant.
Coding change: c.3465C>T on transcript NM_000093.5 (MANE Select); coding-DNA position 3465, C replaced by T.
Protein change: p.Asp1155=; no amino-acid change (aspartic acid 1155 retained).
Molecular consequence: synonymous variant.
Genome position (GRCh38, 1-based): chr9:134,809,281, C>T. VCF-style: chr9-134809281-C-T. GRCh37 (hg19) VCF-style: chr9-137701127-C-T.
Other names: c.3465C>T, p.Asp1155= (NM_001278074.1).
Identifiers: ClinVar variation 459675 (VCV000459675.45), dbSNP rs145134399, ClinGen allele CA5319857.
Genomic context (GRCh38, chr9:134,809,281, plus strand): 5'-TCTCCAGGGGCCTGTGGGGCTCCCGGGTCCAGCTGGCCCTGTGGGTCCCCCTGGAGAAGA[C>T]GGAGATAAGGTAAGGCAAATCCAGAGTGACCCATGGCTGGGCCTGGCTGGGCAGACGGGT-3'
Protein context (NP_000084.3, residues 1145-1165): PAGPVGPPGE[Asp1155=]GDKGEIGEPG